The following is an entry in ClinVar:

ClinVar aggregate classification (germline): Uncertain significance (1 of 4 stars; one submission).

Allele frequency attached by ClinVar (database versions not stated): gnomAD exomes below 0.00001; gnomAD 0.00001; TOPMed 0.00001.
gnomAD v4.1: 8 of 1,613,496 alleles (0.0005%); highest among the groups gnomAD compares: African/African-American, 0.0027%; no homozygotes.

Submission:

Labcorp Genetics (formerly Invitae), Labcorp
Classification: Uncertain significance. Last evaluated: 2023-08-04. Review status: criteria provided, single submitter. Criteria: Invitae Variant Classification Sherloc (09022015). Collection method: clinical testing. Allele origin: germline.
Comment: In summary, the available evidence is currently insufficient to determine the role of this variant in disease. Therefore, it has been classified as a Variant of Uncertain Significance. An algorithm developed to predict the effect of missense changes on protein structure and function (PolyPhen-2) suggests that this variant is likely to be disruptive. ClinVar contains an entry for this variant (Variation ID: 1929481). This variant has not been reported in the literature in individuals affected with ERBIN-related conditions. This variant is present in population databases (no rsID available, gnomAD 0.01%). This sequence change replaces arginine, which is basic and polar, with glutamine, which is neutral and polar, at codon 18 of the ERBIN protein (p.Arg18Gln).

NM_001253697.2(ERBIN):c.53G>A (p.Arg18Gln)

Gene: ERBIN (erbb2 interacting protein; plus strand). Cytogenetic location: 5q12.3.
Variant type: single nucleotide variant.
Coding change: c.53G>A on transcript NM_001253697.2 (MANE Select); coding-DNA position 53, G replaced by A.
Protein change: p.Arg18Gln; replaces arginine 18 with glutamine.
Molecular consequence: missense variant.
Genome position (GRCh38, 1-based): chr5:65,992,771, G>A. VCF-style: chr5-65992771-G-A. GRCh37 (hg19) VCF-style: chr5-65288599-G-A.
Other names: c.53G>A, p.Arg18Gln (NM_001006600.3, NM_001253698.2, NM_001253699.2 and 2 more transcripts); short protein forms R18Q.
Identifiers: ClinVar variation 1929481 (VCV001929481.5), dbSNP rs1162131364, ClinGen allele CA359971773.
Genomic context (GRCh38, chr5:65,992,771, plus strand): 5'-GTCTAAAAATGACTACAAAACGAAGTTTGTTTGTGCGGTTGGTACCATGTCGCTGTCTAC[G>A]AGGGGAAGAGGAGACTGTCACTACTCTTGATTATTCTCATTGCAGCTTAGAACAAGTTCC-3'
Protein context (NP_001240626.1, residues 8-28): FVRLVPCRCL[Arg18Gln]GEEETVTTLD